The following is an entry in ClinVar:

ClinVar aggregate classification (germline): Uncertain significance. Review status: criteria provided, multiple submitters, no conflicts (2 of 4 stars). 2 submissions from 2 submitters: Uncertain significance (2). Last evaluated 2025-09-26.

Conditions:
Encephalopathy, acute, infection-induced (herpes-specific), susceptibility to, 1. Also called: Herpes simplex encephalitis, susceptibility to, 1. Identifiers: Orphanet 1930, MedGen C2750180, MONDO:0024563, OMIM 610551.

gnomAD v4.1: 1 of 1,614,200 alleles (0.000062%); highest among the groups gnomAD compares: Non-Finnish European, 0.000085%; no homozygotes.

Submissions (2):

Ambry Genetics
Classification: Uncertain significance. Last evaluated: 2025-09-26. Review status: criteria provided, single submitter. Criteria: Ambry Variant Classification Scheme 2023. Collection method: clinical testing. Allele origin: germline.

Labcorp Genetics (formerly Invitae), Labcorp
Classification: Uncertain significance for Encephalopathy, acute, infection-induced (herpes-specific), susceptibility to, 1. Last evaluated: 2023-12-11. Review status: criteria provided, single submitter. Criteria: Invitae Variant Classification Sherloc (09022015). Collection method: clinical testing. Allele origin: germline.
Comment: This sequence change replaces aspartic acid, which is acidic and polar, with glutamic acid, which is acidic and polar, at codon 425 of the TLR3 protein (p.Asp425Glu). This variant is not present in population databases (gnomAD no frequency). This variant has not been reported in the literature in individuals affected with TLR3-related conditions. ClinVar contains an entry for this variant (Variation ID: 1433069). An algorithm developed to predict the effect of missense changes on protein structure and function (PolyPhen-2) suggests that this variant is likely to be tolerated. In summary, the available evidence is currently insufficient to determine the role of this variant in disease. Therefore, it has been classified as a Variant of Uncertain Significance.

NM_003265.3(TLR3):c.1275T>G (p.Asp425Glu)

Gene: TLR3 (toll like receptor 3; plus strand). Cytogenetic location: 4q35.1.
Variant type: single nucleotide variant.
Coding change: c.1275T>G on transcript NM_003265.3 (MANE Select); coding-DNA position 1275, T replaced by G.
Protein change: p.Asp425Glu; replaces aspartic acid 425 with glutamic acid.
Molecular consequence: missense variant.
Genome position (GRCh38, 1-based): chr4:186,082,961, T>G. VCF-style: chr4-186082961-T-G. GRCh37 (hg19) VCF-style: chr4-187004115-T-G.
Other names: c.1275T>G (NM_003265.2); short protein forms D425E.
Identifiers: ClinVar variation 1433069 (VCV001433069.7), dbSNP rs2150067871, ClinGen allele CA358931684.